The following is an entry in ClinVar:

NM_004991.4(MECOM):c.2605A>T (p.Met869Leu)

Gene: MECOM (MDS1 and EVI1 complex locus; minus strand). Cytogenetic location: 3q26.2.
Variant type: single nucleotide variant.
Coding change: c.2605A>T on transcript NM_004991.4 (MANE Select); coding-DNA position 2605, A replaced by T.
Protein change: p.Met869Leu; replaces methionine 869 with leucine.
Molecular consequence: missense variant.
Genome position (GRCh38, 1-based): chr3:169,102,226, T>A on the plus strand (A>T on the coding strand, the complement: MECOM is on the minus strand). VCF-style: chr3-169102226-T-A. GRCh37 (hg19) VCF-style: chr3-168820014-T-A.
Other names: c.2236A>T, p.Met746Leu (NM_001105077.4); c.2041A>T, p.Met681Leu (NM_001105078.4, NM_001205194.2, NM_001366469.2 and 1 more transcripts); c.2017A>T, p.Met673Leu (NM_001163999.2, NM_001366470.2); c.2014A>T, p.Met672Leu (NM_001164000.2, NM_001366471.2, NM_001366472.2); c.2578A>T, p.Met860Leu (NM_001366466.2); c.2044A>T, p.Met682Leu (NM_001366467.2, NM_001366468.2); c.1606A>T, p.Met536Leu (NM_001366473.2); c.1042A>T, p.Met348Leu (NM_001366474.2); short protein forms M682L, M536L, M860L, M348L, M673L, M869L, M672L, M681L.
Identifiers: ClinVar variation 4624711 (VCV004624711.1).

ClinVar aggregate classification (germline): Uncertain significance (1 of 4 stars; one submission).

Conditions:
Inborn genetic diseases. Identifiers: MedGen C0950123, MeSH D030342.

Submission:

Ambry Genetics
Classification: Uncertain significance for Inborn genetic diseases. Last evaluated: 2025-11-24. Review status: criteria provided, single submitter. Criteria: Ambry Variant Classification Scheme 2023. Collection method: clinical testing. Allele origin: germline.
Comment: The p.M869L variant (also known as c.2605A>T) is located in coding exon 11 of the MECOM gene. The methionine at codon 869 is replaced by leucine, an amino acid with highly similar properties. This change occurs in the first base pair of coding exon 11. This amino acid position is conserved. In addition, this alteration is predicted to be tolerated by in silico analysis. Based on the available evidence, the clinical significance of this variant remains unclear.